The following is an entry in ClinVar:

NM_000455.5(STK11):c.634A>C (p.Thr212Pro)

Gene: STK11 (serine/threonine kinase 11; plus strand). Cytogenetic location: 19p13.3.
Variant type: single nucleotide variant.
Coding change: c.634A>C on transcript NM_000455.5 (MANE Select); coding-DNA position 634, A replaced by C.
Protein change: p.Thr212Pro; replaces threonine 212 with proline.
Molecular consequence: missense variant. On other transcripts: non-coding transcript variant (1).
Genome position (GRCh38, 1-based): chr19:1,220,617, A>C. VCF-style: chr19-1220617-A-C. GRCh37 (hg19) VCF-style: chr19-1220616-A-C.
Other names: c.634A>C, p.Thr212Pro (NM_001407255.1); short protein forms T212P.
Identifiers: ClinVar variation 2709092 (VCV002709092.3), dbSNP rs1300171938, ClinGen allele CA402949538.

ClinVar aggregate classification (germline): Uncertain significance (1 of 4 stars; one submission).

Conditions:
Peutz-Jeghers syndrome (PJS). Also called: POLYPOSIS, HAMARTOMATOUS INTESTINAL; POLYPS-AND-SPOTS SYNDROME; Peutz-Jeghers polyposis; Periorificial lentiginosis syndrome. Identifiers: Orphanet 2869, MedGen C0031269, MeSH D010580, MONDO:0008280, OMIM 175200.

Submission:

Labcorp Genetics (formerly Invitae), Labcorp
Classification: Uncertain significance for Peutz-Jeghers syndrome. Last evaluated: 2024-01-12. Review status: criteria provided, single submitter. Criteria: Invitae Variant Classification Sherloc (09022015). Collection method: clinical testing. Allele origin: germline.
Comment: This sequence change replaces threonine, which is neutral and polar, with proline, which is neutral and non-polar, at codon 212 of the STK11 protein (p.Thr212Pro). This variant is not present in population databases (gnomAD no frequency). This variant has not been reported in the literature in individuals affected with STK11-related conditions. Advanced modeling of protein sequence and biophysical properties (such as structural, functional, and spatial information, amino acid conservation, physicochemical variation, residue mobility, and thermodynamic stability) performed at Invitae indicates that this missense variant is expected to disrupt STK11 protein function with a positive predictive value of 95%. In summary, the available evidence is currently insufficient to determine the role of this variant in disease. Therefore, it has been classified as a Variant of Uncertain Significance.